The following is an entry in ClinVar:

ClinVar aggregate classification (germline): Uncertain significance (1 of 4 stars; one submission).

Conditions:
Cardiomyopathy (CMYO). Also called: Cardiomyopathies. Identifiers: Orphanet 167848, MedGen C0878544, MONDO:0004994, HP:0001638. Inheritance: Various modes of inheritance.

Allele frequency attached by ClinVar (database versions not stated): gnomAD exomes below 0.00001.
gnomAD v4.1: 1 of 1,614,226 alleles (0.000062%); highest among the groups gnomAD compares: Non-Finnish European, 0.000085%; no homozygotes.

Submission:

Color Diagnostics, LLC DBA Color Health
Classification: Uncertain significance for Cardiomyopathy. Last evaluated: 2024-03-06. Review status: criteria provided, single submitter. Criteria: ACMG Guidelines, 2015. Collection method: clinical testing. Allele origin: germline.
Comment: This missense variant replaces tyrosine with cysteine at codon 2339 of the DSP protein. Computational prediction tool is inconclusive regarding the impact of this variant on protein structure and function (internally defined REVEL score threshold 0.5 < inconclusive < 0.7, PMID: 27666373). Splice site prediction tools suggest that this variant may not impact RNA splicing. To our knowledge, functional studies have not been performed for this variant. This variant has not been reported in individuals affected with cardiovascular disorders in the literature. This variant has not been identified in the general population by the Genome Aggregation Database (gnomAD). The available evidence is insufficient to determine the role of this variant in disease conclusively. Therefore, this variant is classified as a Variant of Uncertain Significance.

NM_004415.4(DSP):c.7016A>G (p.Tyr2339Cys)

Gene: DSP (desmoplakin; plus strand). Cytogenetic location: 6p24.3.
Variant type: single nucleotide variant.
Coding change: c.7016A>G on transcript NM_004415.4 (MANE Select); coding-DNA position 7016, A replaced by G.
Protein change: p.Tyr2339Cys; replaces tyrosine 2339 with cysteine.
Molecular consequence: missense variant.
Genome position (GRCh38, 1-based): chr6:7,584,278, A>G. VCF-style: chr6-7584278-A-G. GRCh37 (hg19) VCF-style: chr6-7584511-A-G.
Other names: c.5219A>G, p.Tyr1740Cys (NM_001008844.3); c.5687A>G, p.Tyr1896Cys (NM_001319034.2); short protein forms Y1896C, Y2339C, Y1740C.
Identifiers: ClinVar variation 924945 (VCV000924945.4), dbSNP rs1759555427, ClinGen allele CA362692045.
Genomic context (GRCh38, chr6:7,584,278, plus strand): 5'-GTCTGGTGGGCATTGAGTTCAAAGAGAAGCTCCTGTCTGCAGAACGAGCTGTCACTGGGT[A>G]TAATGATCCTGAAACAGGAAACATCATCTCTTTGTTCCAAGCCATGAATAAGGAACTCAT-3'
Protein context (NP_004406.2, residues 2329-2349): LLSAERAVTG[Tyr2339Cys]NDPETGNIIS